The following is an entry in ClinVar:

NM_000628.5(IL10RB):c.*334G>A

Genes: IL10RB (interleukin 10 receptor subunit beta; plus strand), IFNAR2-IL10RB (IFNAR2-IL10RB readthrough; plus strand). Cytogenetic location: 21q22.11.
Variant type: single nucleotide variant.
Coding change: c.*334G>A on transcript NM_000628.5 (MANE Select); 334 bases downstream of the stop codon, G replaced by A.
Molecular consequence: 3 prime UTR variant.
Genome position (GRCh38, 1-based): chr21:33,296,691, G>A. VCF-style: chr21-33296691-G-A. GRCh37 (hg19) VCF-style: chr21-34668996-G-A.
Identifiers: ClinVar variation 339701 (VCV000339701.5), dbSNP rs377255448, ClinGen allele CA10653497.

ClinVar aggregate classification (germline): Benign (1 of 4 stars; one submission).

Conditions:
Inflammatory bowel disease 25. Also called: Inflammatory bowel disease 25, early onset, autosomal recessive. Identifiers: Orphanet 238569, MedGen C2675508, MONDO:0012941, OMIM 612567.

Allele frequency attached by ClinVar (database versions not stated): gnomAD 0.00119 and 0.00010; 1000 Genomes Project 30x 0.00656; 1000 Genomes Project 0.00659; gnomAD exomes 0.00702; TOPMed 0.00025.
gnomAD v4.1: 2,004 of 420,162 alleles (0.48%); highest among the groups gnomAD compares: South Asian, 3.6%; 52 homozygotes.

Submission:

Illumina Laboratory Services, Illumina
Classification: Benign for Inflammatory bowel disease 25. Last evaluated: 2018-01-12. Review status: criteria provided, single submitter. Criteria: ICSL Variant Classification Criteria 13 December 2019. Collection method: clinical testing. Allele origin: germline.
Comment: This variant was observed in the ICSL laboratory as part of a predisposition screen in an ostensibly healthy population. It had not been previously curated by ICSL or reported in the Human Gene Mutation Database (HGMD: prior to June 1st, 2018), and was therefore a candidate for classification through an automated scoring system. Utilizing variant allele frequency, disease prevalence and penetrance estimates, and inheritance mode, an automated score was calculated to assess if this variant is too frequent to cause the disease. Based on the score and internal cut-off values, a variant classified as benign is not then subjected to further curation. The score for this variant resulted in a classification of benign for this disease.